The following is an entry in ClinVar:

NM_001154.4(ANXA5):c.836T>C (p.Ile279Thr)

Gene: ANXA5 (annexin A5; minus strand). Cytogenetic location: 4q27.
Variant type: single nucleotide variant.
Coding change: c.836T>C on transcript NM_001154.4 (MANE Select); coding-DNA position 836, T replaced by C.
Protein change: p.Ile279Thr; replaces isoleucine 279 with threonine.
Molecular consequence: missense variant.
Genome position (GRCh38, 1-based): chr4:121,669,669, A>G on the plus strand (T>C on the coding strand, the complement: ANXA5 is on the minus strand). VCF-style: chr4-121669669-A-G. GRCh37 (hg19) VCF-style: chr4-122590824-A-G.
Other names: short protein forms I279T.
Identifiers: ClinVar variation 3049443 (VCV003049443.2), dbSNP rs17851665, ClinGen allele CA3062761.

ClinVar aggregate classification (germline): Likely benign (0 of 4 stars; one submission).

Conditions:
ANXA5-related disorder. Also called: ANXA5-related condition.

Allele frequency attached by ClinVar (database versions not stated): TOPMed 0.00114; gnomAD 0.00122; 1000 Genomes Project 30x 0.00141; gnomAD exomes 0.00156; ESP Exome Variant Server 0.00161; 1000 Genomes Project 0.00180; ExAC 0.00264.
gnomAD v4.1: 2,478 of 1,613,360 alleles (0.15%); highest among the groups gnomAD compares: South Asian, 1%; 19 homozygotes.

Submission:

PreventionGenetics, part of Exact Sciences
Classification: Likely benign for ANXA5-related condition. Last evaluated: 2019-03-01. Review status: no assertion criteria provided. Collection method: clinical testing. Allele origin: germline.
Comment: This variant is classified as likely benign based on ACMG/AMP sequence variant interpretation guidelines (Richards et al. 2015 PMID: 25741868, with internal and published modifications).